The following is an entry in ClinVar:

NM_000073.3(CD3G):c.79+4G>A

Gene: CD3G (CD3 gamma subunit of T-cell receptor complex; plus strand). Cytogenetic location: 11q23.3.
Variant type: single nucleotide variant.
Coding change: c.79+4G>A on transcript NM_000073.3 (MANE Select); 4 bases into the intron after coding-DNA position 79, G replaced by A.
Molecular consequence: intron variant.
Genome position (GRCh38, 1-based): chr11:118,349,054, G>A. VCF-style: chr11-118349054-G-A. GRCh37 (hg19) VCF-style: chr11-118219769-G-A.
Identifiers: ClinVar variation 863273 (VCV000863273.6), dbSNP rs1226309530, ClinGen allele CA601879051.
Genomic context (GRCh38, chr11:118,349,054, plus strand): 5'-AGCTAATACTCTATCTCTCTTCTGTCTTTACAGGTACTTTGGCCCAGTCAATCAAAGGTA[G>A]GAGAAATGGCTTCTTTCTATACTCAGACTCAGAATATTGACGGAAATTTGGCTTCCTACA-3'

ClinVar aggregate classification (germline): Uncertain significance (1 of 4 stars; one submission).

Conditions:
Combined immunodeficiency due to CD3gamma deficiency. Also called: SCID-LIKE IMMUNODEFICIENCY, T CELL-PARTIAL, B CELL-POSITIVE, NK CELL-POSITIVE; CD3-GAMMA DEFICIENCY; Immunodeficiency 17; Immunodeficiency 17, CD3 gamma deficient. Identifiers: Orphanet 169082, MedGen C3810107, MONDO:0014276, OMIM 615607.

Allele frequency attached by ClinVar (database versions not stated): gnomAD exomes 0.00001; TOPMed 0.00001; gnomAD 0.00002.
gnomAD v4.1: 9 of 1,613,996 alleles (0.00056%); highest among the groups gnomAD compares: African/African-American, 0.0027%; no homozygotes.

Submission:

Labcorp Genetics (formerly Invitae), Labcorp
Classification: Uncertain significance for Combined immunodeficiency due to CD3gamma deficiency. Last evaluated: 2023-06-13. Review status: criteria provided, single submitter. Criteria: Invitae Variant Classification Sherloc (09022015). Collection method: clinical testing. Allele origin: germline.
Comment: This sequence change falls in intron 2 of the CD3G gene. It does not directly change the encoded amino acid sequence of the CD3G protein. It affects a nucleotide within the consensus splice site. This variant is present in population databases (no rsID available, gnomAD 0.01%). In summary, the available evidence is currently insufficient to determine the role of this variant in disease. Therefore, it has been classified as a Variant of Uncertain Significance. Variants that disrupt the consensus splice site are a relatively common cause of aberrant splicing (PMID: 17576681, 9536098). Algorithms developed to predict the effect of sequence changes on RNA splicing suggest that this variant is not likely to affect RNA splicing. ClinVar contains an entry for this variant (Variation ID: 863273). This variant has not been reported in the literature in individuals affected with CD3G-related conditions.

Literature cited by the submitters: PubMed 17576681; PubMed 9536098.